The following is an entry in ClinVar:

NM_001079.4(ZAP70):c.919_931del (p.Pro307fs)

Gene: ZAP70 (zeta chain of T cell receptor associated protein kinase 70; plus strand). Cytogenetic location: 2q11.2.
Variant type: Deletion.
Coding change: c.919_931del on transcript NM_001079.4 (MANE Select); coding-DNA positions 919 to 931, 13 bases deleted (CCGATGCCCATGG).
Protein change: p.Pro307fs; shifts the reading frame from proline 307.
Molecular consequence: frameshift variant. On other transcripts: initiator codon variant (1).
Genome position (GRCh38, 1-based): chr2:97,734,549-97,734,561, CCGATGCCCATGG deleted; deleting any 13 consecutive bases within chr2:97,734,547-97,734,561 gives the same sequence; the c. name uses the placement nearest the transcript's 3' end. VCF-style (leftmost placement, unchanged base first): chr2-97734546-CGGCCGATGCCCAT-C. GRCh37 (hg19) VCF-style: chr2-98351009-CGGCCGATGCCCAT-C.
Other names: c.919_931del, p.Pro307fs (NM_001378594.1); c.-3_10del, p.Met1fs (NM_207519.2); short protein forms M1fs, P307fs.
Identifiers: ClinVar variation 3905918 (VCV003905918.10).

ClinVar aggregate classification (germline): Pathogenic (1 of 4 stars; one submission).

Submission:

CeGaT Center for Human Genetics Tuebingen
Classification: Pathogenic. Last evaluated: 2025-05-01. Review status: criteria provided, single submitter. Criteria: CeGaT Center For Human Genetics Tuebingen Variant Classification Criteria Version 2. Collection method: clinical testing. Allele origin: germline. Affected: yes. Observed: 1 variant allele.
Comment: ZAP70: PVS1, PM2, PM3:Supporting